The following is an entry in ClinVar:

NM_002485.5(NBN):c.1483C>A (p.Pro495Thr)

Gene: NBN (nibrin; minus strand). Cytogenetic location: 8q21.3.
Variant type: single nucleotide variant.
Coding change: c.1483C>A on transcript NM_002485.5 (MANE Select); coding-DNA position 1483, C replaced by A.
Protein change: p.Pro495Thr; replaces proline 495 with threonine.
Molecular consequence: missense variant.
Genome position (GRCh38, 1-based): chr8:89,953,606, G>T on the plus strand (C>A on the coding strand, the complement: NBN is on the minus strand). VCF-style: chr8-89953606-G-T. GRCh37 (hg19) VCF-style: chr8-90965834-G-T.
Other names: c.1237C>A, p.Pro413Thr (NM_001024688.3); short protein forms P495T, P413T.
Identifiers: ClinVar variation 1773620 (VCV001773620.2), dbSNP rs747027298, ClinGen allele CA4802713.

ClinVar aggregate classification (germline): Uncertain significance (1 of 4 stars; one submission).

Conditions:
Hereditary cancer-predisposing syndrome. Also called: Hereditary Cancer Syndrome; Hereditary neoplastic syndrome; Neoplastic Syndromes, Hereditary; Tumor predisposition. Identifiers: Orphanet 140162, MedGen C0027672, MeSH D009386, MONDO:0015356.

Allele frequency attached by ClinVar (database versions not stated): ExAC 0.00001; gnomAD 0.00001; TOPMed 0.00001.

Submission:

Ambry Genetics
Classification: Uncertain significance for Hereditary cancer-predisposing syndrome. Last evaluated: 2021-12-01. Review status: criteria provided, single submitter. Criteria: Ambry Variant Classification Scheme 2023. Collection method: clinical testing. Allele origin: germline.
Comment: The p.P495T variant (also known as c.1483C>A), located in coding exon 11 of the NBN gene, results from a C to A substitution at nucleotide position 1483. The proline at codon 495 is replaced by threonine, an amino acid with highly similar properties. This amino acid position is conserved. In addition, this alteration is predicted to be tolerated by in silico analysis. Since supporting evidence is limited at this time, the clinical significance of this alteration remains unclear.